The following is an entry in ClinVar:

ClinVar aggregate classification (germline): Uncertain significance (1 of 4 stars; one submission).

Conditions:
Autoimmune lymphoproliferative syndrome type 2A (ALPS2A). Also called: CASP10-Related Autoimmune Lymphoproliferative Syndrome; AUTOIMMUNE LYMPHOPROLIFERATIVE SYNDROME, TYPE IIA; Autoimmune lymphoproliferative syndrome type 2. Identifiers: Orphanet 3261, MedGen C1858968, MONDO:0011383, OMIM 603909.

gnomAD v4.1: 5 of 1,613,334 alleles (0.00031%); highest among the groups gnomAD compares: Non-Finnish European, 0.00034%; no homozygotes.

Submission:

Labcorp Genetics (formerly Invitae), Labcorp
Classification: Uncertain significance for Autoimmune lymphoproliferative syndrome type 2A. Last evaluated: 2025-09-28. Review status: criteria provided, single submitter. Criteria: Invitae Variant Classification Sherloc (09022015). Collection method: clinical testing. Allele origin: germline.
Comment: This sequence change replaces glycine, which is neutral and non-polar, with glutamic acid, which is acidic and polar, at codon 255 of the CASP10 protein (p.Gly255Glu). This variant is present in population databases (no rsID available, gnomAD 0.002%). This variant has not been reported in the literature in individuals affected with CASP10-related conditions. Invitae Evidence Modeling of protein sequence and biophysical properties (such as structural, functional, and spatial information, amino acid conservation, physicochemical variation, residue mobility, and thermodynamic stability) indicates that this missense variant is not expected to disrupt CASP10 protein function with a negative predictive value of 80%. In summary, the available evidence is currently insufficient to determine the role of this variant in disease. Therefore, it has been classified as a Variant of Uncertain Significance.

NM_032977.4(CASP10):c.764G>A (p.Gly255Glu)

Gene: CASP10 (caspase 10; plus strand). Cytogenetic location: 2q33.1.
Variant type: single nucleotide variant.
Coding change: c.764G>A on transcript NM_032977.4 (MANE Select); coding-DNA position 764, G replaced by A.
Protein change: p.Gly255Glu; replaces glycine 255 with glutamic acid.
Molecular consequence: missense variant. On other transcripts: intron variant (4).
Genome position (GRCh38, 1-based): chr2:201,205,924, G>A. VCF-style: chr2-201205924-G-A. GRCh37 (hg19) VCF-style: chr2-202070647-G-A.
Other names: c.764G>A, p.Gly255Glu (NM_032974.5); c.685-2151G>A (NM_001206542.2, NM_001230.5); c.722-2151G>A (NM_032976.4); c.721+2158G>A (NM_001206524.2); short protein forms G255E.
Identifiers: ClinVar variation 4791136 (VCV004791136.1).